The following is an entry in ClinVar:

ClinVar aggregate classification (germline): Benign. Review status: criteria provided, multiple submitters, no conflicts (2 of 4 stars). 5 submissions from 5 submitters: Benign (5). Last evaluated 2024-11-28.

Conditions:
Polymicrogyria, perisylvian, with cerebellar hypoplasia and arthrogryposis (NEDSPLB). Identifiers: MedGen C4225295, MONDO:0014679, OMIM 616531.

Allele frequency attached by ClinVar (database versions not stated): gnomAD exomes 0.36960 and 0.38066; gnomAD 0.40419 and 0.40633; ExAC 0.40942; TOPMed 0.43243; 1000 Genomes Project 30x 0.44379.
gnomAD v4.1: 598,267 of 1,602,280 alleles (37%); highest among the groups gnomAD compares: Admixed American, 49%; 113,814 homozygotes.

Submissions (5):

Blueprint Genetics
Classification: Benign. Last evaluated: 2024-11-28. Review status: criteria provided, single submitter. Criteria: ACMG Guidelines, 2015. Collection method: clinical testing. Allele origin: germline.

Unidad de Genómica Garrahan, Hospital de Pediatría Garrahan
Classification: Benign. Last evaluated: 2024-01-24. Review status: criteria provided, single submitter. Criteria: ACMG Guidelines, 2015. Collection method: clinical testing. Allele origin: germline. Affected: no. Observed: 64 variant alleles.
Comment: This variant is classified as Benign based on local population frequency. This variant was detected in 67% of patients studied by a panel of primary immunodeficiencies. Number of patients: 64. Only high quality variants are reported.

Genome-Nilou Lab
Classification: Benign for Polymicrogyria, perisylvian, with cerebellar hypoplasia and arthrogryposis. Last evaluated: 2021-09-05. Review status: criteria provided, single submitter. Criteria: ACMG Guidelines, 2015. Collection method: clinical testing. Allele origin: germline. Affected: no.

GeneDx
Classification: Benign. Last evaluated: 2018-07-09. Review status: criteria provided, single submitter. Criteria: GeneDx Variant Classification Process June 2021. Collection method: clinical testing. Allele origin: germline. Affected: yes.

Breakthrough Genomics
Classification: Benign. Review status: criteria provided, single submitter. Criteria: ACMG Guidelines, 2015. Collection method: not provided. Allele origin: germline. Inheritance: Autosomal recessive inheritance. Affected: yes.

NM_058004.4(PI4KA):c.5787T>C (p.Thr1929=)

Gene: PI4KA (phosphatidylinositol 4-kinase alpha; minus strand). Cytogenetic location: 22q11.21.
Variant type: single nucleotide variant.
Coding change: c.5787T>C on transcript NM_058004.4 (MANE Select); coding-DNA position 5787, T replaced by C.
Protein change: p.Thr1929=; no amino-acid change (threonine 1929 retained).
Molecular consequence: synonymous variant.
Genome position (GRCh38, 1-based): chr22:20,712,501, A>G on the plus strand (T>C on the coding strand, the complement: PI4KA is on the minus strand). VCF-style: chr22-20712501-A-G. GRCh37 (hg19) VCF-style: chr22-21066789-A-G.
Other names: c.5694T>C, p.Thr1898= (NM_001362862.2); c.5721T>C, p.Thr1907= (NM_001362863.2).
Identifiers: ClinVar variation 1179740 (VCV001179740.8), dbSNP rs5996654, ClinGen allele CA10114560.